The following is an entry in ClinVar:

NM_001378414.1(HDAC4):c.2557C>G (p.Gln853Glu)

Gene: HDAC4 (histone deacetylase 4; minus strand). Cytogenetic location: 2q37.3.
Variant type: single nucleotide variant.
Coding change: c.2557C>G on transcript NM_001378414.1 (MANE Select); coding-DNA position 2557, C replaced by G.
Protein change: p.Gln853Glu; replaces glutamine 853 with glutamic acid.
Molecular consequence: missense variant.
Genome position (GRCh38, 1-based): chr2:239,082,197, G>C on the plus strand (C>G on the coding strand, the complement: HDAC4 is on the minus strand). VCF-style: chr2-239082197-G-C. GRCh37 (hg19) VCF-style: chr2-240003893-G-C.
Other names: c.2557C>G, p.Gln853Glu (NM_001378415.1); c.2542C>G, p.Gln848Glu (NM_001378416.1, NM_001378417.1, NM_006037.4); c.2476C>G, p.Gln826Glu (NM_001435991.1, NM_001435992.1); c.2398C>G, p.Gln800Glu (NM_001435993.1); short protein forms Q800E, Q853E, Q848E, Q826E.
Identifiers: ClinVar variation 5009870 (VCV005009870.1).
Genomic context (GRCh38, chr2:239,082,197, plus strand): 5'-CATCGTCGTAGCGGTGGAGGGACATGTACAGGACGCTGGGGTCGCTGTAGAAAGCCTGCT[G>C]GGTCCCGTTTCCATGGTGCACGTCCTTAAAGAGCAGGGACAACTACTTCAGGGCTGAGGC-3'
Protein context (NP_001365343.1, residues 843-863): DWDVHHGNGT[Gln853Glu]QAFYSDPSVL

ClinVar aggregate classification (germline): Uncertain significance (1 of 4 stars; one submission).

Submission:

GeneDx
Classification: Uncertain significance. Last evaluated: 2026-02-19. Review status: criteria provided, single submitter. Criteria: GeneDx Variant Classification Process June 2021. Collection method: clinical testing. Allele origin: germline.
Comment: Not observed at significant frequency in large population cohorts (gnomAD); In silico analysis suggests that this missense variant does not alter protein structure/function; Has not been previously published as pathogenic or benign to our knowledge